The following is an entry in ClinVar:

NM_006231.4(POLE):c.2562-5T>G

Gene: POLE (DNA polymerase epsilon, catalytic subunit; minus strand). Cytogenetic location: 12q24.33.
Variant type: single nucleotide variant.
Coding change: c.2562-5T>G on transcript NM_006231.4 (MANE Select); 5 bases into the intron before coding-DNA position 2562, T replaced by G.
Molecular consequence: intron variant.
Genome position (GRCh38, 1-based): chr12:132,664,153, A>C on the plus strand (T>G on the coding strand, the complement: POLE is on the minus strand). VCF-style: chr12-132664153-A-C. GRCh37 (hg19) VCF-style: chr12-133240739-A-C.
Identifiers: ClinVar variation 548923 (VCV000548923.16), dbSNP rs1461925348, ClinGen allele CA608514204.

ClinVar aggregate classification (germline): Conflicting classifications of pathogenicity. Review status: criteria provided, conflicting classifications (1 of 4 stars). 3 submissions from 3 submitters: Uncertain significance (1); Likely benign (1). 1 of the submissions does not count toward it. Last evaluated 2026-01-12.

Conditions:
Hereditary cancer-predisposing syndrome. Also called: Hereditary Cancer Syndrome; Hereditary neoplastic syndrome; Tumor predisposition; Neoplastic Syndromes, Hereditary. Identifiers: Orphanet 140162, MedGen C0027672, MeSH D009386, MONDO:0015356.
Colorectal cancer, susceptibility to, 12 (CRCS12). Also called: COLORECTAL CANCER, SUSCEPTIBILITY TO, ON CHROMOSOME 12q24. Identifiers: Orphanet 220460, MedGen C3554460, MONDO:0014038, OMIM 615083.

Allele frequency attached by ClinVar (database versions not stated): gnomAD exomes below 0.00001 and 0.00001; TOPMed below 0.00001; gnomAD 0.00001.
gnomAD v4.1: 9 of 1,613,686 alleles (0.00056%); highest among the groups gnomAD compares: Admixed American, 0.0017%; no homozygotes.

Submissions (3):

Labcorp Genetics (formerly Invitae), Labcorp
Classification: Likely benign. Last evaluated: 2026-01-12. Review status: criteria provided, single submitter. Criteria: Invitae Variant Classification Sherloc (09022015). Collection method: clinical testing. Allele origin: germline.

Ambry Genetics
Classification: Uncertain significance for Hereditary cancer-predisposing syndrome. Last evaluated: 2025-01-16. Review status: criteria provided, single submitter. Criteria: Ambry Variant Classification Scheme 2023. Collection method: clinical testing. Allele origin: germline.
Comment: The c.2562-5T>G intronic variant results from a T to G substitution 5 nucleotides upstream from coding exon 23 in the POLE gene. This nucleotide position is not well conserved in available vertebrate species. In silico splice site analysis for this alteration is inconclusive. Based on the available evidence, the clinical significance of this variant remains unclear.

Counsyl
Classification: Uncertain significance for Colorectal cancer, susceptibility to, 12. Last evaluated: 2018-06-01. Review status: no assertion criteria provided. Collection method: clinical testing. Allele origin: unknown. Not counted in ClinVar's aggregate classification.